The following is an entry in ClinVar:

ClinVar aggregate classification (germline): Likely benign. Review status: reviewed by expert panel (3 of 4 stars). 4 submissions from 4 submitters: Likely benign (1). 3 of the submissions do not count toward it. Last evaluated 2017-06-29.

Conditions:
Hereditary cancer-predisposing syndrome. Also called: Tumor predisposition; Hereditary Cancer Syndrome; Neoplastic Syndromes, Hereditary; Hereditary neoplastic syndrome. Identifiers: Orphanet 140162, MedGen C0027672, MeSH D009386, MONDO:0015356.
Hereditary breast ovarian cancer syndrome. Also called: Breast and ovarian cancer; Hereditary breast and ovarian cancer; Hereditary breast and ovarian cancer syndrome; Hereditary breast and/or ovarian cancer syndrome; BRCA1- and BRCA2-Associated Hereditary Breast and Ovarian Cancer; Hereditary breast and ovarian cancer syndrome (HBOC). Identifiers: Orphanet 145, MedGen C0677776, MeSH D061325, MONDO:0003582. Disease mechanism: loss of function.
Breast-ovarian cancer, familial, susceptibility to, 1 (BROVCA1). Also called: BRCA1 Hereditary Breast and Ovarian Cancer; OVARIAN CANCER, SUSCEPTIBILITY TO. Identifiers: Orphanet 145, MedGen C2676676, MONDO:0011450, OMIM 604370. Disease mechanism: loss of function.

Allele frequency attached by ClinVar (database versions not stated): TOPMed below 0.00001; gnomAD 0.00001.
gnomAD v4.1: 1 of 1,613,870 alleles (0.000062%); highest among the groups gnomAD compares: Non-Finnish European, 0.000085%; no homozygotes.

Submissions (4):

Evidence-based Network for the Interpretation of Germline Mutant Alleles (ENIGMA)
Classification: Likely benign for Breast-ovarian cancer, familial, susceptibility to, 1. Last evaluated: 2017-06-29. Review status: reviewed by expert panel. Criteria: ENIGMA BRCA1/2 Classification Criteria (2017-06-29). Collection method: curation. Allele origin: germline.
Comment: Synonymous substitution variant, with low bioinformatic likelihood to result in a splicing aberration (Splicing prior probability 0.02).

Labcorp Genetics (formerly Invitae), Labcorp
Classification: Likely benign for Hereditary breast ovarian cancer syndrome. Last evaluated: 2025-02-15. Review status: criteria provided, single submitter. Criteria: Invitae Variant Classification Sherloc (09022015). Collection method: clinical testing. Allele origin: germline. Not counted in ClinVar's aggregate classification.

Color Diagnostics, LLC DBA Color Health
Classification: Likely benign for Hereditary cancer-predisposing syndrome. Last evaluated: 2019-09-26. Review status: criteria provided, single submitter. Criteria: ACMG Guidelines, 2015. Collection method: clinical testing. Allele origin: germline. Not counted in ClinVar's aggregate classification.

Ambry Genetics
Classification: Likely benign for Hereditary cancer-predisposing syndrome. Last evaluated: 2015-08-29. Review status: criteria provided, single submitter. Criteria: Ambry Variant Classification Scheme 2023. Collection method: clinical testing. Allele origin: germline. Not counted in ClinVar's aggregate classification.

NM_007294.4(BRCA1):c.3234A>G (p.Pro1078=)

Genes: BRCA1 (BRCA1 DNA repair associated; minus strand), LOC126862571 (BRD4-independent group 4 enhancer GRCh37_chr17:41243136-41244335; plus strand). Cytogenetic location: 17q21.31.
Variant type: single nucleotide variant.
Coding change: c.3234A>G on transcript NM_007294.4 (MANE Select); coding-DNA position 3234, A replaced by G.
Protein change: p.Pro1078=; no amino-acid change (proline 1078 retained).
Molecular consequence: synonymous variant. On other transcripts: intron variant (137).
Genome position (GRCh38, 1-based): chr17:43,092,297, T>C on the plus strand (A>G on the coding strand, the complement: BRCA1 is on the minus strand). VCF-style: chr17-43092297-T-C. GRCh37 (hg19) VCF-style: chr17-41244314-T-C.
Other names: c.3021A>G, p.Pro1007= (NM_001407571.1, NM_001407853.1, NM_001407894.1 and 9 more transcripts); c.3234A>G, p.Pro1078= (NM_001407581.1, NM_001407582.1, NM_001407583.1 and 30 more transcripts); c.3231A>G, p.Pro1077= (NM_001407587.1, NM_001407590.1, NM_001407591.1 and 22 more transcripts); c.3225A>G, p.Pro1075= (NM_001407646.1, NM_001407647.1); c.3111A>G, p.Pro1037= (NM_001407648.1, NM_001407664.1, NM_001407665.1 and 19 more transcripts); c.3108A>G, p.Pro1036= (NM_001407649.1, NM_001407670.1, NM_001407671.1 and 11 more transcripts); c.3156A>G, p.Pro1052= (NM_001407653.1, NM_001407654.1, NM_001407655.1 and 4 more transcripts); c.3153A>G, p.Pro1051= (NM_001407659.1, NM_001407660.1, NM_001407661.1 and 1 more transcripts); and 41 more.
Identifiers: ClinVar variation 233614 (VCV000233614.13), dbSNP rs876660522, ClinGen allele CA10580573.
Genomic context (GRCh38, chr17:43,092,297, plus strand): 5'-AAGACTTTGTTTATAGACCTCAGGTTGCAAAACCCCTAATCTAAGCATAGCATTCAATTT[T>C]GGCCCTCTGTTTCTACCTAGTTCTGCTTGAATGTTTTCATCACTGGAACCTATTTCATTA-3'
Protein context (NP_009225.1, residues 1068-1088): IQAELGRNRG[Pro1078=]KLNAMLRLGV